The following is an entry in ClinVar:

ClinVar aggregate classification (germline): Uncertain significance (1 of 4 stars; one submission).

Allele frequency attached by ClinVar (database versions not stated): gnomAD 0.00001; gnomAD exomes 0.00001 and 0.00002; TOPMed 0.00001.
gnomAD v4.1: 9 of 1,596,272 alleles (0.00056%); highest among the groups gnomAD compares: Admixed American, 0.0083%; no homozygotes.

Submission:

Labcorp Genetics (formerly Invitae), Labcorp
Classification: Uncertain significance. Last evaluated: 2021-09-01. Review status: criteria provided, single submitter. Criteria: Invitae Variant Classification Sherloc (09022015). Collection method: clinical testing. Allele origin: germline.
Comment: This sequence change replaces asparagine with serine at codon 267 of the PLOD2 protein (p.Asn267Ser). The asparagine residue is highly conserved and there is a small physicochemical difference between asparagine and serine. This variant is not present in population databases (ExAC no frequency). This variant has not been reported in the literature in individuals affected with PLOD2-related conditions. Algorithms developed to predict the effect of missense changes on protein structure and function (SIFT, PolyPhen-2, Align-GVGD) all suggest that this variant is likely to be disruptive. Algorithms developed to predict the effect of sequence changes on RNA splicing suggest that this variant may create or strengthen a splice site. In summary, the available evidence is currently insufficient to determine the role of this variant in disease. Therefore, it has been classified as a Variant of Uncertain Significance.

NM_182943.3(PLOD2):c.800A>G (p.Asn267Ser)

Gene: PLOD2 (procollagen-lysine,2-oxoglutarate 5-dioxygenase 2; minus strand). Cytogenetic location: 3q24.
Variant type: single nucleotide variant.
Coding change: c.800A>G on transcript NM_182943.3 (MANE Select); coding-DNA position 800, A replaced by G.
Protein change: p.Asn267Ser; replaces asparagine 267 with serine.
Molecular consequence: missense variant.
Genome position (GRCh38, 1-based): chr3:146,091,879, T>C on the plus strand (A>G on the coding strand, the complement: PLOD2 is on the minus strand). VCF-style: chr3-146091879-T-C. GRCh37 (hg19) VCF-style: chr3-145809666-T-C.
Other names: c.800A>G, p.Asn267Ser (NM_000935.3); short protein forms N267S.
Identifiers: ClinVar variation 1364450 (VCV001364450.5), dbSNP rs1434129659, ClinGen allele CA354893444.
Genomic context (GRCh38, chr3:146,091,879, plus strand): 5'-ACTGTATCGAATTCACAAAGAGTGCAGCCATTATCCTGTGTCCATGAATTGGGTACATAG[T>C]TTCCAAAATAATTCAGGAGAATCTTGTAAATGAAGGAAAAGGTTATTAATGAAAGCAGGC-3'
Protein context (NP_891988.1, residues 257-277): PTKILLNYFG[Asn267Ser]YVPNSWTQDN